The following is an entry in ClinVar:

ClinVar aggregate classification (germline): Likely benign. Review status: criteria provided, multiple submitters, no conflicts (2 of 4 stars). 2 submissions from 2 submitters: Likely benign (2). Last evaluated 2026-06-26.

Conditions:
Sessile serrated polyposis cancer syndrome (SSPCS). Identifiers: Orphanet 157798, MedGen C4310714, MONDO:0014919, OMIM 617108.

gnomAD v4.1: 7 of 1,614,038 alleles (0.00043%); highest among the groups gnomAD compares: African/African-American, 0.0093%; no homozygotes.

Submissions (2):

Myriad Genetics, Inc.
Classification: Likely benign for Sessile serrated polyposis cancer syndrome. Last evaluated: 2026-06-26. Review status: criteria provided, single submitter. Criteria: Myriad Autosomal Dominant, Autosomal Recessive and X-Linked Classification Criteria (2023). Collection method: clinical testing. Allele origin: unknown.
Comment: This variant is considered likely benign. This variant is intronic and is not expected to impact mRNA splicing.

Labcorp Genetics (formerly Invitae), Labcorp
Classification: Likely benign. Last evaluated: 2025-01-19. Review status: criteria provided, single submitter. Criteria: Invitae Variant Classification Sherloc (09022015). Collection method: clinical testing. Allele origin: germline.

NM_017763.6(RNF43):c.451-14C>T

Gene: RNF43 (ring finger protein 43; minus strand). Cytogenetic location: 17q22.
Variant type: single nucleotide variant.
Coding change: c.451-14C>T on transcript NM_017763.6 (MANE Select); 14 bases into the intron before coding-DNA position 451, C replaced by T.
Molecular consequence: intron variant.
Genome position (GRCh38, 1-based): chr17:58,363,420, G>A on the plus strand (C>T on the coding strand, the complement: RNF43 is on the minus strand). VCF-style: chr17-58363420-G-A. GRCh37 (hg19) VCF-style: chr17-56440781-G-A.
Other names: c.451-14C>T (NM_001438822.1, NM_001305544.3, NM_001438820.1 and 1 more transcripts); c.70-14C>T (NM_001305545.2, NM_001437987.1).
Identifiers: ClinVar variation 3621514 (VCV003621514.3).